The following is an entry in ClinVar:

NM_144997.7(FLCN):c.1283C>A (p.Pro428His)

Gene: FLCN (folliculin; minus strand). Cytogenetic location: 17p11.2.
Variant type: single nucleotide variant.
Coding change: c.1283C>A on transcript NM_144997.7 (MANE Select); coding-DNA position 1283, C replaced by A.
Protein change: p.Pro428His; replaces proline 428 with histidine.
Molecular consequence: missense variant.
Genome position (GRCh38, 1-based): chr17:17,216,397, G>T on the plus strand (C>A on the coding strand, the complement: FLCN is on the minus strand). VCF-style: chr17-17216397-G-T. GRCh37 (hg19) VCF-style: chr17-17119711-G-T.
Other names: c.1283C>A (LRG_325t1); c.1337C>A, p.Pro446His (NM_001353229.2); c.1283C>A, p.Pro428His (NM_001353230.2, NM_001353231.2); short protein forms P428H, P446H.
Identifiers: ClinVar variation 184619 (VCV000184619.26), dbSNP rs199889477, ClinGen allele CA189480.
Genomic context (GRCh38, chr17:17,216,397, plus strand): 5'-CCTCAGCGCAGGGCATGGCCCCACAGCCCGCGGGGGCACGCACCTGAGGAGAGCACGTGG[G>T]GGGGGATCTGCACGTGCGGGCTGAGCCCCAGGAAGTTGCACCGATAGGCCTCCTCGTACT-3'
Protein context (NP_659434.2, residues 418-438): LGLSPHVQIP[Pro428His]HVLSSEFAVI

ClinVar aggregate classification (germline): Conflicting classifications of pathogenicity. Review status: criteria provided, conflicting classifications (1 of 4 stars). 8 submissions from 8 submitters: Uncertain significance (6); Benign (1); Likely benign (1). Last evaluated 2026-09-02.

Conditions:
17p11.2 microduplication syndrome (PTLS). Also called: CHROMOSOME 17p11.2 DUPLICATION SYNDROME; Potocki-Lupski syndrome; Duplication 17p11.2 syndrome; Potocki-Lupski syndrome (dup(17)(p11.2p11.2)). Identifiers: Orphanet 1713, MedGen C2931246, MONDO:0012574, OMIM 610883.
Nonpapillary renal cell carcinoma. Identifiers: Orphanet 422526, MedGen CN074294, MONDO:0007763, OMIM 144700.
Birt-Hogg-Dube syndrome. Also called: Birt Hogg Dubé syndrome. Identifiers: Orphanet 122, MedGen C0346010, MONDO:0800444.
Familial spontaneous pneumothorax (PSP). Identifiers: Orphanet 2903, MedGen C1868193, MONDO:0008259, OMIM 173600.
Colorectal cancer. Also called: Malignant Colorectal Neoplasm; Colorectal cancer, somatic. Identifiers: MedGen C0346629, MONDO:0005575, OMIM 114500.
FLCN-related disorder. Also called: FLCN-related condition.
Birt-Hogg-Dube syndrome 1 (BHD1). Also called: FIBROFOLLICULOMAS WITH TRICHODISCOMAS AND ACROCHORDONS. Identifiers: Orphanet 122, MedGen CN375946, MONDO:0800445, OMIM 135150.
Hereditary cancer-predisposing syndrome. Also called: Neoplastic Syndromes, Hereditary; Tumor predisposition; Hereditary neoplastic syndrome; Hereditary Cancer Syndrome. Identifiers: Orphanet 140162, MedGen C0027672, MeSH D009386, MONDO:0015356.

Allele frequency attached by ClinVar (database versions not stated): TOPMed 0.00002; 1000 Genomes Project 30x 0.00016; 1000 Genomes Project 0.00020.

Submissions (8):

PreventionGenetics, part of Exact Sciences
Classification: Uncertain significance for FLCN-related condition. Last evaluated: 2026-09-02. Review status: criteria provided, single submitter. Criteria: ACMG Guidelines, 2015. Collection method: clinical testing. Allele origin: germline.
Comment: The FLCN c.1283C>A variant is predicted to result in the amino acid substitution p.Pro428His. This variant was reported in an individual with prostate cancer (Supp. Table 3, Liang et al. 2022. PubMed ID: 36095024) and was reported in a cohort study of individuals with breast or ovarian cancer (Supp. Table 5, 6 in Maxwell et al. 2016. PubMed ID: 27153395). This variant is reported in 0.016% of alleles in individuals of East Asian descent in gnomAD and has conflicting interpretations in ClinVar ranging from benign to uncertain significance (Variation ID: 184619). Although we suspect that this variant may be benign, at this time, the clinical significance of this variant is uncertain due to the absence of conclusive functional and genetic evidence.

Labcorp Genetics (formerly Invitae), Labcorp
Classification: Uncertain significance for Birt-Hogg-Dube syndrome. Last evaluated: 2026-01-21. Review status: criteria provided, single submitter. Criteria: Invitae Variant Classification Sherloc (09022015). Collection method: clinical testing. Allele origin: germline.
Comment: This sequence change replaces proline, which is neutral and non-polar, with histidine, which is basic and polar, at codon 428 of the FLCN protein (p.Pro428His). This variant is present in population databases (rs199889477, gnomAD 0.01%). This missense change has been observed in individual(s) with FLCN-related conditions (PMID: 36095024). ClinVar contains an entry for this variant (Variation ID: 184619). Invitae Evidence Modeling of protein sequence and biophysical properties (such as structural, functional, and spatial information, amino acid conservation, physicochemical variation, residue mobility, and thermodynamic stability) indicates that this missense variant is not expected to disrupt FLCN protein function with a negative predictive value of 80%. In summary, the available evidence is currently insufficient to determine the role of this variant in disease. Therefore, it has been classified as a Variant of Uncertain Significance.

Myriad Genetics, Inc.
Classification: Likely benign for Birt-Hogg-Dube syndrome 1. Last evaluated: 2024-08-09. Review status: criteria provided, single submitter. Criteria: Myriad Autosomal Dominant, Autosomal Recessive and X-Linked Classification Criteria (2023). Collection method: clinical testing. Allele origin: unknown.
Comment: This variant is considered likely benign. This variant has been observed at a population frequency that is significantly greater than expected given the associated disease prevalence and penetrance.

Baylor Genetics
Classification: Uncertain significance for Birt-Hogg-Dube syndrome 1. Last evaluated: 2024-01-17. Review status: criteria provided, single submitter. Criteria: ACMG Guidelines, 2015. Collection method: clinical testing. Allele origin: unknown.

GeneDx
Classification: Uncertain significance. Last evaluated: 2023-12-07. Review status: criteria provided, single submitter. Criteria: GeneDx Variant Classification Process June 2021. Collection method: clinical testing. Allele origin: germline. Affected: yes.
Comment: In silico analysis supports that this missense variant does not alter protein structure/function; Observed in individuals with prostate or hereditary breast and ovarian cancer (PMID: 36095024, 27153395); Identified in a patient with renal cell carcinoma and sebaceous gland hyperplasia (Leetanapon R and Laodheerasiri S. (2022) Thai Journal of Dermatology. 38 (3):114-119); This variant is associated with the following publications: (PMID: 17028174, 24728327, 26415585, 27153395, 36095024, Leetanapon2022)

Ambry Genetics
Classification: Benign for Hereditary cancer-predisposing syndrome. Last evaluated: 2022-01-31. Review status: criteria provided, single submitter. Criteria: Ambry Variant Classification Scheme 2023. Collection method: clinical testing. Allele origin: germline.

Institute for Clinical Genetics, University Hospital TU Dresden, University Hospital TU Dresden
Classification: Uncertain significance. Last evaluated: 2021-11-03. Review status: criteria provided, single submitter. Criteria: ACMG Guidelines, 2015. Collection method: clinical testing. Allele origin: germline.

Fulgent Genetics
Classification: Uncertain significance for Colorectal cancer; Birt-Hogg-Dube syndrome 1; Nonpapillary renal cell carcinoma; Familial spontaneous pneumothorax; 17p11.2 microduplication syndrome. Last evaluated: 2021-07-07. Review status: criteria provided, single submitter. Criteria: ACMG Guidelines, 2015. Collection method: clinical testing. Allele origin: unknown.

Literature cited by the submitters: PubMed 36095024 (cited by Labcorp Genetics (formerly Invitae), Labcorp); PubMed 24728327 (cited by Ambry Genetics); PubMed 27153395 (cited by Ambry Genetics).